The following is an entry in ClinVar:

NM_001365999.1(SZT2):c.3739G>A (p.Glu1247Lys)

Gene: SZT2 (SZT2 subunit of KICSTOR complex; plus strand). Cytogenetic location: 1p34.2.
Variant type: single nucleotide variant.
Coding change: c.3739G>A on transcript NM_001365999.1 (MANE Select); coding-DNA position 3739, G replaced by A.
Protein change: p.Glu1247Lys; replaces glutamic acid 1247 with lysine.
Molecular consequence: missense variant.
Genome position (GRCh38, 1-based): chr1:43,427,670, G>A. VCF-style: chr1-43427670-G-A. GRCh37 (hg19) VCF-style: chr1-43893341-G-A.
Other names: c.3568G>A, p.Glu1190Lys (NM_015284.4); short protein forms E1247K, E1190K.
Identifiers: ClinVar variation 1047556 (VCV001047556.7), dbSNP rs759297618, ClinGen allele CA809075.

ClinVar aggregate classification (germline): Uncertain significance (1 of 4 stars; one submission).

Allele frequency attached by ClinVar (database versions not stated): gnomAD exomes below 0.00001 and 0.00001; TOPMed below 0.00001; gnomAD 0.00001; ExAC 0.00002.
gnomAD v4.1: 8 of 1,614,028 alleles (0.0005%); highest among the groups gnomAD compares: South Asian, 0.0066%; no homozygotes.

Submission:

Labcorp Genetics (formerly Invitae), Labcorp
Classification: Uncertain significance. Last evaluated: 2024-12-02. Review status: criteria provided, single submitter. Criteria: Invitae Variant Classification Sherloc (09022015). Collection method: clinical testing. Allele origin: germline.
Comment: This sequence change replaces glutamic acid, which is acidic and polar, with lysine, which is basic and polar, at codon 1190 of the SZT2 protein (p.Glu1190Lys). This variant is present in population databases (rs759297618, gnomAD 0.003%). This variant has not been reported in the literature in individuals affected with SZT2-related conditions. ClinVar contains an entry for this variant (Variation ID: 1047556). Invitae Evidence Modeling of protein sequence and biophysical properties (such as structural, functional, and spatial information, amino acid conservation, physicochemical variation, residue mobility, and thermodynamic stability) indicates that this missense variant is not expected to disrupt SZT2 protein function with a negative predictive value of 80%. In summary, the available evidence is currently insufficient to determine the role of this variant in disease. Therefore, it has been classified as a Variant of Uncertain Significance.